The following is an entry in ClinVar:

NM_172107.4(KCNQ2):c.387+1G>T

Gene: KCNQ2 (potassium voltage-gated channel subfamily Q member 2; minus strand). Cytogenetic location: 20q13.33.
Variant type: single nucleotide variant.
Coding change: c.387+1G>T on transcript NM_172107.4 (MANE Select); the canonical splice donor site of the intron after coding-DNA position 387, G replaced by T.
Molecular consequence: splice donor variant.
Genome position (GRCh38, 1-based): chr20:63,446,746, C>A on the plus strand (G>T on the coding strand, the complement: KCNQ2 is on the minus strand). VCF-style: chr20-63446746-C-A. GRCh37 (hg19) VCF-style: chr20-62078099-C-A.
Other names: c.387+1G>T (NM_004518.6, NM_172108.5, NM_172106.3 and 2 more transcripts).
Identifiers: ClinVar variation 21788 (VCV000021788.2), dbSNP rs118192195, ClinGen allele CA342508.

ClinVar aggregate classification (germline): not provided (0 of 4 stars; one submission).

Conditions:
Seizures, benign familial neonatal, 1. Also called: Benign Neonatal Epilepsy 1; KCNQ2-Related Benign Familial Neonatal Epilepsy; KCNQ2-Related Self-Limited Familial Neonatal Epilepsy (SLFNE); Seizures, benign neonatal, 1. Identifiers: Orphanet 1949, MedGen C3149074, MONDO:0007365, OMIM 121200.

Submission:

GeneReviews
No classification provided. Condition: Seizures, benign familial neonatal, 1. Review status: no classification provided. Collection method: literature only. Allele origin: germline. Affected: yes.
Comment: BFNE (benign familial neonatal epilepsy)

Literature cited by the submitters: PubMed 14534157; NCBI Bookshelf NBK32534.